The following is an entry in ClinVar:

ClinVar aggregate classification (germline): Uncertain significance (1 of 4 stars; one submission).

Submission:

GeneDx
Classification: Uncertain significance. Last evaluated: 2026-03-23. Review status: criteria provided, single submitter. Criteria: GeneDx Variant Classification Process June 2021. Collection method: clinical testing. Allele origin: germline.
Comment: Not observed at significant frequency in large population cohorts (gnomAD); In silico analysis suggests that this missense variant does not alter protein structure/function; Has not been previously published as pathogenic or benign to our knowledge

NM_020795.4(NLGN2):c.1482G>C (p.Glu494Asp)

Gene: NLGN2 (neuroligin 2; plus strand). Cytogenetic location: 17p13.1.
Variant type: single nucleotide variant.
Coding change: c.1482G>C on transcript NM_020795.4 (MANE Select); coding-DNA position 1482, G replaced by C.
Protein change: p.Glu494Asp; replaces glutamic acid 494 with aspartic acid.
Molecular consequence: missense variant.
Genome position (GRCh38, 1-based): chr17:7,415,955, G>C. VCF-style: chr17-7415955-G-C. GRCh37 (hg19) VCF-style: chr17-7319274-G-C.
Other names: short protein forms E494D.
Identifiers: ClinVar variation 5017310 (VCV005017310.1).
Genomic context (GRCh38, chr17:7,415,955, plus strand): 5'-CCAGTCTCCCGTCTACTTTTACACCTTCTACCACCACTGCCAGGCGGAGGGCCGGCCTGA[G>C]TGGGCAGATGCGGCGCACGGGGATGAACTGCCCTATGTCTTTGGCGTGCCCATGGTGGGT-3'
Protein context (NP_065846.1, residues 484-504): YHHCQAEGRP[Glu494Asp]WADAAHGDEL